The following is an entry in ClinVar:

NC_000005.9:g.(?_1253833)_(1295114_?)dup

Genes: TERT (telomerase reverse transcriptase; minus strand), LOC110806263 (TERT 5' regulatory region; plus strand), LOC123493259 (Sharpr-MPRA regulatory region 13256; plus strand), LOC110806264 (TERT enhancer in intron 2; plus strand). Cytogenetic location: 5p15.33.
Variant type: Duplication.
Identifiers: ClinVar variation 642636 (VCV000642636.1).

ClinVar aggregate classification (germline): Uncertain significance (1 of 4 stars; one submission).

Conditions:
Dyskeratosis congenita, autosomal dominant 2. Identifiers: MedGen C3151443, MONDO:0013521, OMIM 613989.
Interstitial lung disease 2 (ILD2). Also called: Familial idiopathic pulmonary fibrosis; FIBROCYSTIC PULMONARY DYSPLASIA; FIBROSING ALVEOLITIS, CRYPTOGENIC. Identifiers: Orphanet 2032, Orphanet 79126, MedGen C5561926, MONDO:0800497, OMIM 178500, MONDO:0800029.

Submission:

Labcorp Genetics (formerly Invitae), Labcorp
Classification: Uncertain significance for Dyskeratosis congenita, autosomal dominant, 2; Idiopathic fibrosing alveolitis, chronic form. Last evaluated: 2018-10-08. Review status: criteria provided, single submitter. Criteria: Invitae Variant Classification Sherloc (09022015). Collection method: clinical testing. Allele origin: germline.
Comment: This variant results in a copy number gain of the genomic region encompassing the full coding sequence of the TERT gene. The boundaries of this event are unknown as they extend beyond the assayed region for this gene and therefore may encompass additional genes. As the precise location of this event is unknown, it may be in tandem or it may be located elsewhere in the genome. This variant has not been reported in the literature in individuals with TERT-related disease. In summary, the available evidence is currently insufficient to determine the role of this variant in disease. Therefore, it has been classified as a Variant of Uncertain Significance.